The following is an entry in ClinVar:

ClinVar aggregate classification (germline): Uncertain significance (1 of 4 stars; one submission).

Submission:

Ambry Genetics
Classification: Uncertain significance. Last evaluated: 2023-04-25. Review status: criteria provided, single submitter. Criteria: Ambry Variant Classification Scheme 2023. Collection method: clinical testing. Allele origin: germline.
Comment: The p.Q1779L variant (also known as c.5336A>T), located in coding exon 40 of the PRKDC gene, results from an A to T substitution at nucleotide position 5336. The glutamine at codon 1779 is replaced by leucine, an amino acid with dissimilar properties. This amino acid position is conserved. In addition, this alteration is predicted to be tolerated by in silico analysis. Since supporting evidence is limited at this time, the clinical significance of this alteration remains unclear.

NM_006904.7(PRKDC):c.5336A>T (p.Gln1779Leu)

Gene: PRKDC (protein kinase, DNA-activated, catalytic subunit; minus strand). Cytogenetic location: 8q11.21.
Variant type: single nucleotide variant.
Coding change: c.5336A>T on transcript NM_006904.7 (MANE Select); coding-DNA position 5336, A replaced by T.
Protein change: p.Gln1779Leu; replaces glutamine 1779 with leucine.
Molecular consequence: missense variant.
Genome position (GRCh38, 1-based): chr8:47,877,751, T>A on the plus strand (A>T on the coding strand, the complement: PRKDC is on the minus strand). VCF-style: chr8-47877751-T-A. GRCh37 (hg19) VCF-style: chr8-48790312-T-A.
Other names: c.5336A>T, p.Gln1779Leu (NM_001081640.2); short protein forms Q1779L.
Identifiers: ClinVar variation 2564534 (VCV002564534.2), dbSNP rs2551872026, ClinGen allele CA371137591.